The following is an entry in ClinVar:

ClinVar aggregate classification (germline): Uncertain significance (1 of 4 stars; one submission).

Conditions:
AFF3-related disorder. Also called: AFF3-related condition.

Submission:

PreventionGenetics, part of Exact Sciences
Classification: Uncertain significance for AFF3-related condition. Last evaluated: 2023-01-13. Review status: criteria provided, single submitter. Criteria: ACMG Guidelines, 2015. Collection method: clinical testing. Allele origin: germline.
Comment: The AFF3 c.994C>A variant is predicted to result in the amino acid substitution p.Pro332Thr. To our knowledge, this variant has not been reported in the literature or in a large population database, indicating this variant is rare. At this time, the clinical significance of this variant is uncertain due to the absence of conclusive functional and genetic evidence.

NM_001386135.1(AFF3):c.994C>A (p.Pro332Thr)

Gene: AFF3 (ALF transcription elongation factor 3; minus strand). Cytogenetic location: 2q11.2.
Variant type: single nucleotide variant.
Coding change: c.994C>A on transcript NM_001386135.1 (MANE Select); coding-DNA position 994, C replaced by A.
Protein change: p.Pro332Thr; replaces proline 332 with threonine.
Molecular consequence: missense variant.
Genome position (GRCh38, 1-based): chr2:99,752,229, G>T on the plus strand (C>A on the coding strand, the complement: AFF3 is on the minus strand). VCF-style: chr2-99752229-G-T. GRCh37 (hg19) VCF-style: chr2-100368691-G-T.
Other names: c.1069C>A, p.Pro357Thr (NM_001025108.2); c.994C>A, p.Pro332Thr (NM_002285.3); short protein forms P332T, P357T.
Identifiers: ClinVar variation 2630082 (VCV002630082.1), dbSNP rs770911611, ClinGen allele CA347960847.